The following is an entry in ClinVar:

NM_005611.4(RBL2):c.1948C>T (p.Arg650Cys)

Gene: RBL2 (RB transcriptional corepressor like 2; plus strand). Cytogenetic location: 16q12.2.
Variant type: single nucleotide variant.
Coding change: c.1948C>T on transcript NM_005611.4 (MANE Select); coding-DNA position 1948, C replaced by T.
Protein change: p.Arg650Cys; replaces arginine 650 with cysteine.
Molecular consequence: missense variant.
Genome position (GRCh38, 1-based): chr16:53,467,142, C>T. VCF-style: chr16-53467142-C-T. GRCh37 (hg19) VCF-style: chr16-53501054-C-T.
Other names: c.1948C>T, p.Arg650Cys (NM_001323608.2, NM_001323609.2, NM_001323610.2); c.1726C>T, p.Arg576Cys (NM_001323611.1); short protein forms R576C, R650C.
Identifiers: ClinVar variation 1342639 (VCV001342639.1), dbSNP rs553666067, ClinGen allele CA8056451.

ClinVar aggregate classification (germline): Uncertain significance (1 of 4 stars; one submission).

Allele frequency attached by ClinVar (database versions not stated): TOPMed below 0.00001; gnomAD 0.00001 and 0.00007; gnomAD exomes 0.00018 and 0.00032; ExAC 0.00031; 1000 Genomes Project 30x 0.00062; 1000 Genomes Project 0.00080.
gnomAD v4.1: 267 of 1,613,576 alleles (0.017%); highest among the groups gnomAD compares: South Asian, 0.27%; 3 homozygotes.

Submission:

New York Genome Center
Classification: Uncertain significance. Last evaluated: 2021-05-03. Review status: criteria provided, single submitter. Criteria: NYGC Assertion Criteria 2020. Collection method: clinical testing. Allele origin: inherited. Observed: 1 compound heterozygote. Study: CSER-NYCKidSeq.
Comment: The inherited c.1948C>T (p.Arg650Cys) variant in exon14 of 22 of the RBL2 gene has not been reported in affected individuals in the available literature. This variant is presentin gnomADv3at a low frequency (11/152050 alleles, allele frequency=0.00007234, no homozygotes) suggesting it is not a common benign variant in the populations represented in this database. In silico predictors suggest this variant is damaging (SIFT; score: 0.033, Provean, score: -3.43) and Pathogenic (REVEL; score: 0.674). Given the lack of genetic evidence and functional studies, the inherited c.1948C>T (p.Arg650Cys) variant identified in the RBL2 gene is classified as a variant of uncertain significance.